The following is an entry in ClinVar:

ClinVar aggregate classification (germline): Likely benign (0 of 4 stars; one submission).

Conditions:
NECTIN1-related disorder. Also called: NECTIN1-related condition.

Allele frequency attached by ClinVar (database versions not stated): gnomAD exomes below 0.00001; ExAC 0.00001; gnomAD 0.00001; TOPMed 0.00002.
gnomAD v4.1: 2 of 1,505,756 alleles (0.00013%); highest among the groups gnomAD compares: East Asian, 0.0026%; no homozygotes.

Submission:

PreventionGenetics, part of Exact Sciences
Classification: Likely benign for NECTIN1-related condition. Last evaluated: 2019-07-15. Review status: no assertion criteria provided. Collection method: clinical testing. Allele origin: germline.
Comment: This variant is classified as likely benign based on ACMG/AMP sequence variant interpretation guidelines (Richards et al. 2015 PMID: 25741868, with internal and published modifications).

NM_002855.5(NECTIN1):c.1020G>A (p.Pro340=)

Gene: NECTIN1 (nectin cell adhesion molecule 1; minus strand). Cytogenetic location: 11q23.3.
Variant type: single nucleotide variant.
Coding change: c.1020G>A on transcript NM_002855.5 (MANE Select); coding-DNA position 1020, G replaced by A.
Protein change: p.Pro340=; no amino-acid change (proline 340 retained).
Molecular consequence: synonymous variant. On other transcripts: intron variant (1).
Genome position (GRCh38, 1-based): chr11:119,665,281, C>T on the plus strand (G>A on the coding strand, the complement: NECTIN1 is on the minus strand). VCF-style: chr11-119665281-C-T. GRCh37 (hg19) VCF-style: chr11-119535991-C-T.
Other names: c.1003+9878G>A (NM_203285.2).
Identifiers: ClinVar variation 3049712 (VCV003049712.2), dbSNP rs766791883, ClinGen allele CA6321890.